The following is an entry in ClinVar:

ClinVar aggregate classification (germline): Benign/Likely benign. Review status: criteria provided, multiple submitters, no conflicts (2 of 4 stars). 6 submissions from 6 submitters: Benign (3); Likely benign (3). Last evaluated 2025-12-19.

Conditions:
3-methylglutaconic aciduria with deafness, encephalopathy, and Leigh-like syndrome (MEGDEL). Also called: MEGDEL syndrome; SERAC1 Deficiency; 3-METHYLGLUTACONIC ACIDURIA, TYPE VI. Identifiers: Orphanet 352328, MedGen C4040739, MONDO:0013875, OMIM 614739.

Allele frequency attached by ClinVar (database versions not stated): gnomAD exomes 0.00023 and 0.00076; ExAC 0.00099; gnomAD 0.00239 and 0.00253; TOPMed 0.00281; ESP Exome Variant Server 0.00338; 1000 Genomes Project 0.00339; 1000 Genomes Project 30x 0.00375.

Submissions (6):

Labcorp Genetics (formerly Invitae), Labcorp
Classification: Benign for 3-methylglutaconic aciduria with deafness, encephalopathy, and Leigh-like syndrome. Last evaluated: 2025-12-19. Review status: criteria provided, single submitter. Criteria: Invitae Variant Classification Sherloc (09022015). Collection method: clinical testing. Allele origin: germline.

Mayo Clinic Laboratories, Mayo Clinic
Classification: Likely benign. Last evaluated: 2025-06-30. Review status: criteria provided, single submitter. Criteria: ACMG Guidelines, 2015. Collection method: clinical testing. Allele origin: germline. Observed: 6 variant alleles.
Comment: BS1, BP4

Blueprint Genetics
Classification: Likely benign. Last evaluated: 2024-10-07. Review status: criteria provided, single submitter. Criteria: ACMG Guidelines, 2015. Collection method: clinical testing. Allele origin: germline.

CeGaT Center for Human Genetics Tuebingen
Classification: Likely benign. Last evaluated: 2024-08-01. Review status: criteria provided, single submitter. Criteria: CeGaT Center For Human Genetics Tuebingen Variant Classification Criteria Version 2. Collection method: clinical testing. Allele origin: germline. Affected: yes. Observed: 1 variant allele.
Comment: SERAC1: BP4, BS2

Genome-Nilou Lab
Classification: Benign for 3-methylglutaconic aciduria with deafness, encephalopathy, and Leigh-like syndrome. Last evaluated: 2022-03-15. Review status: criteria provided, single submitter. Criteria: ACMG Guidelines, 2015. Collection method: clinical testing. Allele origin: germline. Affected: no.

GeneDx
Classification: Benign. Last evaluated: 2015-09-21. Review status: criteria provided, single submitter. Criteria: GeneDx Variant Classification (06012015). Collection method: clinical testing. Allele origin: germline. Affected: yes.
Comment: This variant is considered likely benign or benign based on one or more of the following criteria: it is a conservative change, it occurs at a poorly conserved position in the protein, it is predicted to be benign by multiple in silico algorithms, and/or has population frequency not consistent with disease.

NM_032861.4(SERAC1):c.917G>A (p.Arg306Gln)

Gene: SERAC1 (serine active site containing 1; minus strand). Cytogenetic location: 6q25.3.
Variant type: single nucleotide variant.
Coding change: c.917G>A on transcript NM_032861.4 (MANE Select); coding-DNA position 917, G replaced by A.
Protein change: p.Arg306Gln; replaces arginine 306 with glutamine.
Molecular consequence: missense variant. On other transcripts: non-coding transcript variant (1).
Genome position (GRCh38, 1-based): chr6:158,128,206, C>T on the plus strand (G>A on the coding strand, the complement: SERAC1 is on the minus strand). VCF-style: chr6-158128206-C-T. GRCh37 (hg19) VCF-style: chr6-158549238-C-T.
Other names: p.Arg306Gln; short protein forms R306Q.
Identifiers: ClinVar variation 379604 (VCV000379604.31), dbSNP rs114943513, ClinGen allele CA4071235.
Genomic context (GRCh38, chr6:158,128,206, plus strand): 5'-GCCATATTTCCAATGACACGCATTATATTTCTCTGTACTTTAGGGCAGTCCTTGTGAAGT[C>T]GGTACAGCCTCTGAAGTAGCTGCAGGCCTCCATTTGCTTCGATTTTATCACAATGTGTGG-3'
Protein context (NP_116250.3, residues 296-316): GGLQLLQRLY[Arg306Gln]LHKDCPKVQR